The following is an entry in ClinVar:

ClinVar aggregate classification (germline): Uncertain significance (1 of 4 stars; one submission).

Conditions:
Fabry disease. Also called: Fabry's disease; ALPHA-GALACTOSIDASE A DEFICIENCY; ANDERSON-FABRY DISEASE; CERAMIDE TRIHEXOSIDASE DEFICIENCY; GLA DEFICIENCY; HEREDITARY DYSTOPIC LIPIDOSIS. Identifiers: Orphanet 324, MedGen C0002986, MONDO:0010526, OMIM 301500, HP:0001071. Disease mechanism: Fabry disease is due to inactivating mutations in the X-linked GLA gene resulting in deficiency of the enzyme Alpha Galactosidase-A., loss of function.

Submission:

Genomenon, Inc
Classification: Uncertain significance for Fabry disease. Last evaluated: 2026-09-08. Review status: criteria provided, single submitter. Criteria: Genomenon Sequence Variant Interpretation Standards - Updated. Collection method: curation. Allele origin: germline. Affected: no.
Comment: GLA p.Glu66Asp (c.198G>T) is a missense variant that changes the amino acid at codon 66 from Glutamic acid to Aspartic acid. This variant has been reported in the published literature (PMID:10845698). It is absent or not present at a significant frequency in gnomAD. In silico models predict that this variant is possibly or probably damaging. In conclusion, we classify GLA p.Glu66Asp (c.198G>T) as a variant of uncertain significance.

Literature cited by the submitters: PubMed 10845698.

NM_000169.3(GLA):c.198G>T (p.Glu66Asp)

Genes: GLA (galactosidase alpha; minus strand), RPL36A-HNRNPH2 (RPL36A-HNRNPH2 readthrough; plus strand). Cytogenetic location: Xq22.1.
Variant type: single nucleotide variant.
Coding change: c.198G>T on transcript NM_000169.3 (MANE Select); coding-DNA position 198, G replaced by T.
Protein change: p.Glu66Asp; replaces glutamic acid 66 with aspartic acid.
Molecular consequence: missense variant. On other transcripts: non-coding transcript variant (3), intron variant (2).
Genome position (GRCh38, 1-based): chrX:101,403,982, C>A on the plus strand (G>T on the coding strand, the complement: GLA is on the minus strand). VCF-style: chrX-101403982-C-A. GRCh37 (hg19) VCF-style: chrX-100658970-C-A.
Other names: c.321G>T, p.Glu107Asp (NM_001406747.1, NM_001406749.1); c.198G>T, p.Glu66Asp (NM_001406748.1); c.301-7954C>A (NM_001199973.2); c.178-7954C>A (NM_001199974.2); short protein forms E107D, E66D.
Identifiers: ClinVar variation 4974868 (VCV004974868.1).